The following is an entry in ClinVar:

ClinVar aggregate classification (germline): Likely pathogenic (1 of 4 stars; one submission).

Conditions:
Autosomal dominant intellectual disability-craniofacial anomalies-cardiac defects syndrome (ARTHS). Also called: KAT6A syndrome; Arboleda-Tham syndrome; Mental retardation, autosomal dominant 32. Identifiers: Orphanet 457193, MedGen C4225396, MONDO:0014558, OMIM 616268.

Submission:

Variantyx, Inc.
Classification: Likely pathogenic for Autosomal dominant intellectual disability-craniofacial anomalies-cardiac defects syndrome. Last evaluated: 2025-12-16. Review status: criteria provided, single submitter. Criteria: Variantyx Assertion Criteria 2022. Collection method: clinical testing. Allele origin: germline. Inheritance: Autosomal recessive inheritance. Affected: yes.
Comment: This is a nonsense variant in the KAT6A gene (OMIM: 601408). Pathogenic variants in this gene have been associated with autosomal dominant Arboleda-Tham syndrome. This variant introduces a premature termination codon in exon 17 out of 17 and is expected to result in loss of function, which is a known disease mechanism for KAT6A in this disorder (PMID: 25728775, 25728777, 27133397, 34748993) (PVS1). This variant is absent from control populations (PM2) and has not been reported in individuals with KAT6A-related disorders in the databases available for review. Based on the current evidence, this variant is classified as likely pathogenic for autosomal dominant Arboleda-Tham syndrome.

Literature cited by the submitters: PubMed 25728775; PubMed 25728777; PubMed 27133397; PubMed 34748993.

NM_006766.5(KAT6A):c.3664G>T (p.Glu1222Ter)

Gene: KAT6A (lysine acetyltransferase 6A; minus strand). Cytogenetic location: 8p11.21.
Variant type: single nucleotide variant.
Coding change: c.3664G>T on transcript NM_006766.5 (MANE Select); coding-DNA position 3664, G replaced by T.
Protein change: p.Glu1222Ter; replaces glutamic acid 1222 with a stop codon.
Molecular consequence: nonsense.
Genome position (GRCh38, 1-based): chr8:41,934,556, C>A on the plus strand (G>T on the coding strand, the complement: KAT6A is on the minus strand). VCF-style: chr8-41934556-C-A. GRCh37 (hg19) VCF-style: chr8-41792074-C-A.
Other names: short protein forms E1222*.
Identifiers: ClinVar variation 4813756 (VCV004813756.1).
Genomic context (GRCh38, chr8:41,934,556, plus strand): 5'-CTTCCTCACCCTCTTCAGCCTCTTCTGCCTCTGCTTGCATCTCCTCCTCCTCCTTCCTCT[C>A]CTCGGGTAGGGGCATGTCTTCTTTTGGCTCAACAGTTTCTTCACTCTCCTGGATCTTGGG-3'